The following is an entry in ClinVar:

NM_001283009.2(RTEL1):c.649C>T (p.Gln217Ter)

Genes: RTEL1 (regulator of telomere elongation helicase 1; plus strand), RTEL1-TNFRSF6B (RTEL1-TNFRSF6B readthrough (NMD candidate); plus strand). Cytogenetic location: 20q13.33.
Variant type: single nucleotide variant.
Coding change: c.649C>T on transcript NM_001283009.2 (MANE Select); coding-DNA position 649, C replaced by T.
Protein change: p.Gln217Ter; replaces glutamine 217 with a stop codon.
Molecular consequence: nonsense. On other transcripts: non-coding transcript variant (1), 5 prime UTR variant (1).
Genome position (GRCh38, 1-based): chr20:63,667,503, C>T. VCF-style: chr20-63667503-C-T. GRCh37 (hg19) VCF-style: chr20-62298856-C-T.
Other names: c.-21C>T (NM_001283010.1); c.649C>T, p.Gln217Ter (NM_016434.4); c.721C>T, p.Gln241Ter (NM_032957.5); short protein forms Q241*, Q217*.
Identifiers: ClinVar variation 558476 (VCV000558476.13), dbSNP rs780546933, ClinGen allele CA9964386.

ClinVar aggregate classification (germline): Pathogenic/Likely pathogenic. Review status: criteria provided, multiple submitters, no conflicts (2 of 4 stars). 6 submissions from 6 submitters: Pathogenic (1); Likely pathogenic (4). 1 of the submissions does not count toward it. Last evaluated 2024-03-28.

Conditions:
Dyskeratosis congenita, autosomal recessive 5 (DKCB5). Identifiers: MedGen C3554656, MONDO:0014076, OMIM 615190.
Pulmonary fibrosis and/or bone marrow failure, Telomere-related, 3. Also called: PULMONARY FIBROSIS AND/OR BONE MARROW FAILURE SYNDROME, TELOMERE-RELATED, 3. Identifiers: Orphanet 2032, MedGen C4225346, MONDO:0014613, OMIM 616373.
RTEL1-related disorder. Also called: RTEL1-related disorders; RTEL1-related condition.

gnomAD v4.1: 7 of 1,614,014 alleles (0.00043%); highest among the groups gnomAD compares: Non-Finnish European, 0.00034%; no homozygotes.

Submissions (6):

Blueprint Genetics
Classification: Likely pathogenic for RTEL1-related disorders. Last evaluated: 2024-03-28. Review status: criteria provided, single submitter. Criteria: ACMG Guidelines, 2015. Collection method: clinical testing. Allele origin: germline. Affected: yes. Observed: 1 variant allele.

Fulgent Genetics
Classification: Likely pathogenic for Dyskeratosis congenita, autosomal recessive 5; Pulmonary fibrosis and/or bone marrow failure, Telomere-related, 3. Last evaluated: 2024-03-21. Review status: criteria provided, single submitter. Criteria: ACMG Guidelines, 2015. Collection method: clinical testing. Allele origin: germline.

Labcorp Genetics (formerly Invitae), Labcorp
Classification: Pathogenic for Dyskeratosis congenita, autosomal recessive 5; Pulmonary fibrosis and/or bone marrow failure, Telomere-related, 3. Last evaluated: 2024-01-13. Review status: criteria provided, single submitter. Criteria: Invitae Variant Classification Sherloc (09022015). Collection method: clinical testing. Allele origin: germline.
Comment: This sequence change creates a premature translational stop signal (p.Gln217*) in the RTEL1 gene. It is expected to result in an absent or disrupted protein product. Loss-of-function variants in RTEL1 are known to be pathogenic (PMID: 23453664, 23959892, 25607374). This variant is present in population databases (rs780546933, gnomAD 0.002%). This variant has not been reported in the literature in individuals affected with RTEL1-related conditions. ClinVar contains an entry for this variant (Variation ID: 558476). For these reasons, this variant has been classified as Pathogenic.

Baylor Genetics
Classification: Likely pathogenic for Dyskeratosis congenita, autosomal recessive 5. Last evaluated: 2023-03-11. Review status: criteria provided, single submitter. Criteria: ACMG Guidelines, 2015. Collection method: clinical testing. Allele origin: unknown.

Center for Genomics, Ann and Robert H. Lurie Children's Hospital of Chicago
Classification: Likely pathogenic for Dyskeratosis congenita, autosomal recessive 5; Pulmonary fibrosis and/or bone marrow failure, Telomere-related, 3. Review status: criteria provided, single submitter. Criteria: ACMG Guidelines, 2015. Collection method: clinical testing. Allele origin: germline.
Comment: RTEL1 NM_032957.4 exon 8 p.Gln241* (c.721C>T): This variant has not been reported in the literature and is not present in large control databases. This variant is present in ClinVar (Variation ID:558476). Evolutionary conservation and computational prediction tools for this variant are limited or unavailable. This variant is predicted to cause a stopgain at this codon, resulting in protein truncation or loss of allelic expression through nonsense-mediated mRNA decay. Loss of function variants have been reported in association with disease for this gene (Cogan 2015 PMID:25607374, Petrovski 2017 PMID:28099038). In summary, data on this variant is highly suspicious for disease, but requires further evidence for pathogenicity. Therefore, this variant is classified as likely pathogenic.

Counsyl
Classification: Likely pathogenic for Dyskeratosis congenita, autosomal recessive 5. Last evaluated: 2018-05-23. Review status: no assertion criteria provided. Collection method: clinical testing. Allele origin: unknown. Not counted in ClinVar's aggregate classification.

Literature cited by the submitters: PubMed 23453664 (cited by Labcorp Genetics (formerly Invitae), Labcorp); PubMed 23959892 (cited by Labcorp Genetics (formerly Invitae), Labcorp); PubMed 25607374 (cited by Labcorp Genetics (formerly Invitae), Labcorp).